The following is an entry in ClinVar:

NM_000548.5(TSC2):c.3123C>G (p.Val1041=)

Gene: TSC2 (TSC complex subunit 2; plus strand). Cytogenetic location: 16p13.3.
Variant type: single nucleotide variant.
Coding change: c.3123C>G on transcript NM_000548.5 (MANE Select); coding-DNA position 3123, C replaced by G.
Protein change: p.Val1041=; no amino-acid change (valine 1041 retained).
Molecular consequence: synonymous variant. On other transcripts: non-coding transcript variant (5).
Genome position (GRCh38, 1-based): chr16:2,079,188, C>G. VCF-style: chr16-2079188-C-G. GRCh37 (hg19) VCF-style: chr16-2129189-C-G.
Other names: c.1650C>G, p.Val550= (NM_001406693.1, NM_001406694.1, NM_001406692.1 and 1 more transcripts); c.1647C>G, p.Val549= (NM_001406695.1, NM_001406696.1, NM_001406697.1 and 1 more transcripts); c.1389C>G, p.Val463= (NM_001406698.1); c.2994C>G, p.Val998= (NM_021055.3, NM_001363528.2, NM_001370405.1); c.2391C>G, p.Val797= (NM_001406687.1, NM_001406688.1, NM_001318831.2); c.1779C>G, p.Val593= (NM_001406689.1); c.2991C>G, p.Val997= (NM_001077183.3, NM_001370404.1, NM_001406665.1); c.3123C>G, p.Val1041= (NM_001114382.3); and 18 more.
Identifiers: ClinVar variation 4071272 (VCV004071272.1).

ClinVar aggregate classification (germline): Benign (1 of 4 stars; one submission).

Conditions:
Tuberous sclerosis 2 (TSC2). Identifiers: Orphanet 805, MedGen C1860707, MONDO:0013199, OMIM 613254.

Submission:

Myriad Genetics, Inc.
Classification: Benign for Tuberous sclerosis 2. Last evaluated: 2025-05-27. Review status: criteria provided, single submitter. Criteria: Myriad Autosomal Dominant, Autosomal Recessive and X-Linked Classification Criteria (2023). Collection method: clinical testing. Allele origin: unknown.
Comment: This variant is considered benign. This variant is a silent/synonymous amino acid change and it is not expected to impact splicing.